The following is an entry in ClinVar:

NM_004304.5(ALK):c.4471_4472delinsCG (p.Lys1491Arg)

Gene: ALK (ALK receptor tyrosine kinase; minus strand). Cytogenetic location: 2p23.2.
Variant type: Indel.
Coding change: c.4471_4472delinsCG on transcript NM_004304.5 (MANE Select); coding-DNA positions 4471 to 4472, AA replaced by CG.
Protein change: p.Lys1491Arg; replaces lysine 1491 with arginine.
Molecular consequence: missense variant.
Genome position (GRCh38, 1-based): chr2:29,193,615-29,193,616, TT replaced by CG on the plus strand (AA replaced by CG on the coding strand, the reverse complement: ALK is on the minus strand). VCF-style: chr2-29193615-TT-CG. GRCh37 (hg19) VCF-style: chr2-29416481-TT-CG.
Other names: c.4471_4472delAAinsCG (NM_004304.4); c.1267_1268delinsCG, p.Lys423Arg (NM_001353765.2); short protein forms K1491R, K423R.
Identifiers: ClinVar variation 968430 (VCV000968430.9), dbSNP rs1668940521, ClinGen allele CA1139656813.

ClinVar aggregate classification (germline): Uncertain significance. Review status: criteria provided, multiple submitters, no conflicts (2 of 4 stars). 2 submissions from 2 submitters: Uncertain significance (2). Last evaluated 2025-12-28.

Conditions:
Neuroblastoma, susceptibility to, 3. Also called: ALK-Related Neuroblastic Tumor Susceptibility. Identifiers: Orphanet 635, MedGen C2751681, MONDO:0013083, OMIM 613014.
Hereditary cancer-predisposing syndrome. Also called: Hereditary neoplastic syndrome; Hereditary Cancer Syndrome; Tumor predisposition; Neoplastic Syndromes, Hereditary. Identifiers: Orphanet 140162, MedGen C0027672, MeSH D009386, MONDO:0015356.

Submissions (2):

Labcorp Genetics (formerly Invitae), Labcorp
Classification: Uncertain significance for Neuroblastoma, susceptibility to, 3. Last evaluated: 2025-12-28. Review status: criteria provided, single submitter. Criteria: Invitae Variant Classification Sherloc (09022015). Collection method: clinical testing. Allele origin: germline.
Comment: This sequence change replaces lysine, which is basic and polar, with arginine, which is basic and polar, at codon 1491 of the ALK protein (p.Lys1491Arg). The frequency data for this variant in the population databases is considered unreliable, as metrics indicate poor data quality at this position in the gnomAD database. This variant has not been reported in the literature in individuals affected with ALK-related conditions. ClinVar contains an entry for this variant (Variation ID: 968430). An algorithm developed to predict the effect of missense changes on protein structure and function (PolyPhen-2) suggests that this variant is likely to be tolerated. In summary, the available evidence is currently insufficient to determine the role of this variant in disease. Therefore, it has been classified as a Variant of Uncertain Significance.

Ambry Genetics
Classification: Uncertain significance for Hereditary cancer-predisposing syndrome. Last evaluated: 2025-04-22. Review status: criteria provided, single submitter. Criteria: Ambry Variant Classification Scheme 2023. Collection method: clinical testing. Allele origin: germline.
Comment: The c.4471_4472delAAinsCG variant (also known as p.K1491R), located in coding exon 29 of the ALK gene, results from an in-frame deletion of AA and insertion of CG at nucleotide positions 4471 to 4472. This results in the substitution of the lysine residue for an arginine residue at codon 1491, an amino acid with highly similar properties. This amino acid position is well conserved in available vertebrate species. In addition, this alteration is predicted to be neutral by in silico analysis (Choi Y et al. PLoS ONE. 2012; 7(10):e46688). Based on the available evidence, the clinical significance of this variant remains unclear.